The following is an entry in ClinVar:

NM_005186.4(CAPN1):c.1919T>G (p.Met640Arg)

Genes: CAPN1 (calpain 1; plus strand), LOC126861236 (P300/CBP strongly-dependent group 1 enhancer GRCh37_chr11:64976880-64978079; plus strand). Cytogenetic location: 11q13.1.
Variant type: single nucleotide variant.
Coding change: c.1919T>G on transcript NM_005186.4 (MANE Select); coding-DNA position 1919, T replaced by G.
Protein change: p.Met640Arg; replaces methionine 640 with arginine.
Molecular consequence: missense variant. On other transcripts: non-coding transcript variant (1).
Genome position (GRCh38, 1-based): chr11:65,210,073, T>G. VCF-style: chr11-65210073-T-G. GRCh37 (hg19) VCF-style: chr11-64977544-T-G.
Other names: c.1919T>G, p.Met640Arg (NM_001198868.2, NM_001198869.2); short protein forms M640R.
Identifiers: ClinVar variation 505345 (VCV000505345.4), dbSNP rs752166957, ClinGen allele CA381255169.
Genomic context (GRCh38, chr11:65,210,073, plus strand): 5'-CTCAGTCCATCTTCCGGAAGTTTGACCTGGACAAGTCGGGCAGCATGAGTGCCTACGAGA[T>G]GCGGATGGCCATTGAGTCGGCAGGTGAGACTCCAAGGCTGACGGCACCTGTGGGGCCCAG-3'
Protein context (NP_005177.2, residues 630-650): DKSGSMSAYE[Met640Arg]RMAIESAGFK

ClinVar aggregate classification (germline): Uncertain significance (1 of 4 stars; one submission).

Submission:

Laboratory for Molecular Medicine, Mass General Brigham Personalized Medicine
Classification: Uncertain significance. Last evaluated: 2016-11-05. Review status: criteria provided, single submitter. Criteria: LMM Criteria. Collection method: clinical testing. Allele origin: germline. Observed: 1 variant allele.
Comment: The p.Met640Arg variant in CAPN1 has not been previously reported in the literat ure and was absent from large population studies. Computational prediction tools and conservation analysis suggest that the variant may impact the protein, thou gh this information is not predictive enough to determine pathogenicity. In summ ary, the clinical significance of the p.Met640Arg variant is uncertain.